The following is an entry in ClinVar:

GRCh38/hg38 15q11.1-13.2(chr15:20002460-30349193)x3

Genes: APBA2 (amyloid beta precursor protein binding family A member 2; plus strand), ATP10A (ATPase phospholipid transporting 10A (putative); minus strand), ATP10A-DT (ATP10A divergent transcript; plus strand), CYFIP1 (cytoplasmic FMR1 interacting protein 1; minus strand), ENTREP2 (endosomal transmembrane epsin interactor 2; minus strand) and 216 more. Cytogenetic location: 15q11.1-13.2.
Variant type: copy number gain.
Change: copy number 3 (three copies instead of two) of chr15:20,002,460-30,349,193 (10.35 Mb, GRCh38 coordinates, 1-based), cytogenetic band 15q11.1-13.2.
Identifiers: ClinVar variation 58568 (VCV000058568.2).

ClinVar aggregate classification (germline): Pathogenic (1 of 4 stars; one submission).

Submission:

ISCA Site 6
Classification: Pathogenic. Last evaluated: 2011-08-12. Review status: criteria provided, single submitter. Criteria: Kaminsky et al. (Genet Med. 2011). Collection method: clinical testing. Allele origin: de novo. Affected: yes. Observed: 1 variant allele.
Comment: Copy number variation identified through the course of routine clinical cytogenomic testing in postnatal populations. Clinical assertions have been curated as described in Kaminsky et al. 2011.